The following is an entry in ClinVar:

ClinVar aggregate classification (germline): Likely pathogenic (1 of 4 stars; one submission).

Conditions:
Kostmann syndrome (SCN3). Also called: KOSTMANN DISEASE; Autosomal recessive severe congenital neutropenia type 3. Identifiers: Orphanet 99749, MedGen C5235141, MONDO:0012548, OMIM 610738.

Submission:

Labcorp Genetics (formerly Invitae), Labcorp
Classification: Likely pathogenic for Kostmann syndrome. Last evaluated: 2024-02-09. Review status: criteria provided, single submitter. Criteria: Invitae Variant Classification Sherloc (09022015). Collection method: clinical testing. Allele origin: germline.
Comment: This sequence change affects an acceptor splice site in intron 5 of the HAX1 gene. It is expected to disrupt RNA splicing. Variants that disrupt the donor or acceptor splice site typically lead to a loss of protein function (PMID: 16199547), and loss-of-function variants in HAX1 are known to be pathogenic (PMID: 17187068). This variant is not present in population databases (gnomAD no frequency). This variant has not been reported in the literature in individuals affected with HAX1-related conditions. Algorithms developed to predict the effect of sequence changes on RNA splicing suggest that this variant may disrupt the consensus splice site. In summary, the currently available evidence indicates that the variant is pathogenic, but additional data are needed to prove that conclusively. Therefore, this variant has been classified as Likely Pathogenic.

Literature cited by the submitters: PubMed 16199547; PubMed 17187068.

NM_006118.4(HAX1):c.664-1G>A

Gene: HAX1 (HCLS1 associated protein X-1; plus strand). Cytogenetic location: 1q21.3.
Variant type: single nucleotide variant.
Coding change: c.664-1G>A on transcript NM_006118.4 (MANE Select); the canonical splice acceptor site of the intron before coding-DNA position 664, G replaced by A.
Molecular consequence: splice acceptor variant.
Genome position (GRCh38, 1-based): chr1:154,275,392, G>A. VCF-style: chr1-154275392-G-A. GRCh37 (hg19) VCF-style: chr1-154247868-G-A.
Other names: c.520-1G>A (NM_001018837.2).
Identifiers: ClinVar variation 3639873 (VCV003639873.2).